The following is an entry in ClinVar:

ClinVar aggregate classification (germline): Likely benign (1 of 4 stars; one submission).

Conditions:
Sialidosis type 2. Also called: Mucolipidosis type 1; NEU 1 deficiency; GLYCOPROTEIN NEURAMINIDASE DEFICIENCY; CHERRY RED SPOT--MYOCLONUS SYNDROME; LIPOMUCOPOLYSACCHARIDOSIS; ML I. Identifiers: Orphanet 812, Orphanet 87876, MedGen C4282398, MONDO:0009738, OMIM 256550.

Allele frequency attached by ClinVar (database versions not stated): gnomAD 0.00001 and 0.00003; 1000 Genomes Project 30x 0.00062; 1000 Genomes Project 0.00060.

Submission:

Illumina Laboratory Services, Illumina
Classification: Likely benign for Sialidosis type 2. Last evaluated: 2018-01-12. Review status: criteria provided, single submitter. Criteria: ICSL Variant Classification Criteria 13 December 2019. Collection method: clinical testing. Allele origin: germline.
Comment: This variant was observed in the ICSL laboratory as part of a predisposition screen in an ostensibly healthy population. It had not been previously curated by ICSL or reported in the Human Gene Mutation Database (HGMD: prior to June 1st, 2018), and was therefore a candidate for classification through an automated scoring system. Utilizing variant allele frequency, disease prevalence and penetrance estimates, and inheritance mode, an automated score was calculated to assess if this variant is too frequent to cause the disease. Based on the score and internal cut-off values, a variant classified as likely benign is not then subjected to further curation. The score for this variant resulted in a classification of likely benign for this disease.

NM_000434.3(NEU1):c.-76C>G

Gene: NEU1 (neuraminidase 1; minus strand). Cytogenetic location: 6p21.33.
Variant type: single nucleotide variant.
Coding change: c.-76C>G on transcript NM_000434.3; 76 bases upstream of the start codon, C replaced by G.
Genome position (GRCh38, 1-based): chr6:31,862,852, G>C on the plus strand (C>G on the coding strand, the complement: NEU1 is on the minus strand). VCF-style: chr6-31862852-G-C. GRCh37 (hg19) VCF-style: chr6-31830629-G-C.
Identifiers: ClinVar variation 356239 (VCV000356239.7), dbSNP rs566696697, ClinGen allele CA10621863.